The following is an entry in ClinVar:

ClinVar aggregate classification (germline): Uncertain significance (1 of 4 stars; one submission).

Conditions:
Pityriasis rubra pilaris (PRP). Also called: Pityriasis rubra pilaris--familial type. Identifiers: Orphanet 2897, MedGen C0032027, MONDO:0100017, OMIM 173200, MONDO:0008251.
Psoriasis 2. Identifiers: MedGen C1864497, MONDO:0011269, OMIM 602723.

Submission:

Labcorp Genetics (formerly Invitae), Labcorp
Classification: Uncertain significance for Pityriasis rubra pilaris; Psoriasis 2. Last evaluated: 2024-08-19. Review status: criteria provided, single submitter. Criteria: Invitae Variant Classification Sherloc (09022015). Collection method: clinical testing. Allele origin: germline.
Comment: This sequence change creates a premature translational stop signal (p.Glu320*) in the CARD14 gene. It is expected to result in an absent or disrupted protein product. However, the current clinical and genetic evidence is not sufficient to establish whether loss-of-function variants in CARD14 cause disease. This variant is not present in population databases (gnomAD no frequency). This variant has not been reported in the literature in individuals affected with CARD14-related conditions. In summary, the available evidence is currently insufficient to determine the role of this variant in disease. Therefore, it has been classified as a Variant of Uncertain Significance.

NM_001366385.1(CARD14):c.958G>T (p.Glu320Ter)

Gene: CARD14 (caspase recruitment domain family member 14; plus strand). Cytogenetic location: 17q25.3.
Variant type: single nucleotide variant.
Coding change: c.958G>T on transcript NM_001366385.1 (MANE Select); coding-DNA position 958, G replaced by T.
Protein change: p.Glu320Ter; replaces glutamic acid 320 with a stop codon.
Molecular consequence: nonsense. On other transcripts: non-coding transcript variant (1).
Genome position (GRCh38, 1-based): chr17:80,189,867, G>T. VCF-style: chr17-80189867-G-T. GRCh37 (hg19) VCF-style: chr17-78163666-G-T.
Other names: c.958G>T, p.Glu320Ter (NM_001257970.1, NM_024110.4); c.247G>T, p.Glu83Ter (NM_052819.3); short protein forms E320*, E83*.
Identifiers: ClinVar variation 3757724 (VCV003757724.2).